The following is an entry in ClinVar:

ClinVar aggregate classification (germline): Uncertain significance (1 of 4 stars; one submission).

Conditions:
Inborn genetic diseases. Identifiers: MedGen C0950123, MeSH D030342.

Submission:

Ambry Genetics
Classification: Uncertain significance for Inborn genetic diseases. Last evaluated: 2024-12-15. Review status: criteria provided, single submitter. Criteria: Ambry Variant Classification Scheme 2023. Collection method: clinical testing. Allele origin: germline.
Comment: The p.L206P variant (also known as c.617T>C), located in coding exon 4 of the ERCC6L2 gene, results from a T to C substitution at nucleotide position 617. The leucine at codon 206 is replaced by proline, an amino acid with similar properties. This amino acid position is conserved. In addition, this alteration is predicted to be deleterious by in silico analysis. Based on the available evidence, the clinical significance of this variant remains unclear.

NM_020207.7(ERCC6L2):c.617T>C (p.Leu206Pro)

Gene: ERCC6L2 (ERCC excision repair 6 like 2; plus strand). Cytogenetic location: 9q22.32.
Variant type: single nucleotide variant.
Coding change: c.617T>C on transcript NM_020207.7 (MANE Select); coding-DNA position 617, T replaced by C.
Protein change: p.Leu206Pro; replaces leucine 206 with proline.
Molecular consequence: missense variant. On other transcripts: non-coding transcript variant (1).
Genome position (GRCh38, 1-based): chr9:95,907,100, T>C. VCF-style: chr9-95907100-T-C. GRCh37 (hg19) VCF-style: chr9-98669382-T-C.
Other names: c.617T>C, p.Leu206Pro (NM_001010895.4, NM_001375291.1, NM_001375292.1 and 2 more transcripts); short protein forms L206P.
Identifiers: ClinVar variation 3845799 (VCV003845799.1).
Genomic context (GRCh38, chr9:95,907,100, plus strand): 5'-TTTTAAAAAACAGCAAAATTTTTTTATTCTTGTTTTAGATGTTCTTAATAGTTGCTCCTC[T>C]TTCTGTCCTCTACAACTGGAAGGATGAATTGGACACCTGGGGATATTTCAGAGTCACTGT-3'
Protein context (NP_064592.3, residues 196-216): AKKMFLIVAP[Leu206Pro]SVLYNWKDEL